The following is an entry in ClinVar:

ClinVar aggregate classification (germline): Likely benign. Review status: criteria provided, multiple submitters, no conflicts (2 of 4 stars). 2 submissions from 2 submitters: Likely benign (2). Last evaluated 2025-12-08.

Conditions:
INPP5E-related disorder. Also called: INPP5E-related condition.
Joubert syndrome. Also called: JOUBERT-BOLTSHAUSER SYNDROME; Familial aplasia of the vermis. Identifiers: Orphanet 475, MedGen C5979921, MONDO:0018772.

gnomAD v4.1: 10 of 1,613,156 alleles (0.00062%); highest among the groups gnomAD compares: East Asian, 0.0022%; no homozygotes.

Submissions (2):

Labcorp Genetics (formerly Invitae), Labcorp
Classification: Likely benign for Joubert syndrome. Last evaluated: 2025-12-08. Review status: criteria provided, single submitter. Criteria: Invitae Variant Classification Sherloc (09022015). Collection method: clinical testing. Allele origin: germline.

PreventionGenetics, part of Exact Sciences
Classification: Likely benign for INPP5E-related condition. Last evaluated: 2025-11-13. Review status: criteria provided, single submitter. Criteria: ACMG Guidelines, 2015. Collection method: clinical testing. Allele origin: germline.
Comment: This variant is classified as likely benign based on ACMG/AMP sequence variant interpretation guidelines (Richards et al. 2015 PMID: 25741868, with internal and published modifications).

NM_019892.6(INPP5E):c.1629C>T (p.Tyr543=)

Gene: INPP5E (inositol polyphosphate-5-phosphatase E; minus strand). Cytogenetic location: 9q34.3.
Variant type: single nucleotide variant.
Coding change: c.1629C>T on transcript NM_019892.6 (MANE Select); coding-DNA position 1629, C replaced by T.
Protein change: p.Tyr543=; no amino-acid change (tyrosine 543 retained).
Molecular consequence: synonymous variant.
Genome position (GRCh38, 1-based): chr9:136,431,038, G>A on the plus strand (C>T on the coding strand, the complement: INPP5E is on the minus strand). VCF-style: chr9-136431038-G-A. GRCh37 (hg19) VCF-style: chr9-139325490-G-A.
Other names: c.1626C>T, p.Tyr542= (NM_001318502.2); c.1629C>T (NM_019892.5).
Identifiers: ClinVar variation 1608587 (VCV001608587.9), dbSNP rs753398503, ClinGen allele CA5336710.